The following is an entry in ClinVar:

ClinVar aggregate classification (germline): Uncertain significance. Review status: criteria provided, multiple submitters, no conflicts (2 of 4 stars). 2 submissions from 2 submitters: Uncertain significance (2). Last evaluated 2025-11-08.

Allele frequency attached by ClinVar (database versions not stated): gnomAD 0.00001; TOPMed 0.00001; ExAC 0.00003; ESP Exome Variant Server 0.00008.
gnomAD v4.1: 34 of 1,613,038 alleles (0.0021%); highest among the groups gnomAD compares: Non-Finnish European, 0.0027%; no homozygotes.

Submissions (2):

Ambry Genetics
Classification: Uncertain significance. Last evaluated: 2025-11-08. Review status: criteria provided, single submitter. Criteria: Ambry Variant Classification Scheme 2023. Collection method: clinical testing. Allele origin: germline.

Labcorp Genetics (formerly Invitae), Labcorp
Classification: Uncertain significance. Last evaluated: 2023-06-20. Review status: criteria provided, single submitter. Criteria: Invitae Variant Classification Sherloc (09022015). Collection method: clinical testing. Allele origin: germline.
Comment: In summary, the available evidence is currently insufficient to determine the role of this variant in disease. Therefore, it has been classified as a Variant of Uncertain Significance. An algorithm developed to predict the effect of missense changes on protein structure and function (PolyPhen-2) suggests that this variant is likely to be disruptive. This variant has not been reported in the literature in individuals affected with DGKZ-related conditions. This variant is present in population databases (rs375162900, gnomAD 0.003%). This sequence change replaces arginine, which is basic and polar, with tryptophan, which is neutral and slightly polar, at codon 270 of the DGKZ protein (p.Arg270Trp).

NM_001199267.2(DGKZ):c.241C>T (p.Arg81Trp)

Gene: DGKZ (diacylglycerol kinase zeta; plus strand). Cytogenetic location: 11p11.2.
Variant type: single nucleotide variant.
Coding change: c.241C>T on transcript NM_001199267.2 (MANE Select); coding-DNA position 241, C replaced by T.
Protein change: p.Arg81Trp; replaces arginine 81 with tryptophan.
Molecular consequence: missense variant.
Genome position (GRCh38, 1-based): chr11:46,367,370, C>T. VCF-style: chr11-46367370-C-T. GRCh37 (hg19) VCF-style: chr11-46388920-C-T.
Other names: c.808C>T, p.Arg270Trp (NM_001105540.2); c.241C>T, p.Arg81Trp (NM_001199266.2, NM_001199268.2, NM_003646.4); c.292C>T, p.Arg98Trp (NM_201532.3); c.256C>T, p.Arg86Trp (NM_201533.3); c.808C>T (NM_001105540.1); short protein forms R270W, R81W, R86W, R98W.
Identifiers: ClinVar variation 2895771 (VCV002895771.4), dbSNP rs375162900, ClinGen allele CA5962265.